The following is an entry in ClinVar:

ClinVar aggregate classification (germline): Uncertain significance (1 of 4 stars; one submission).

Allele frequency attached by ClinVar (database versions not stated): gnomAD exomes below 0.00001; TOPMed below 0.00001.
gnomAD v4.1: 2 of 1,614,174 alleles (0.00012%); highest among the groups gnomAD compares: Non-Finnish European, 0.00017%; no homozygotes.

Submission:

Labcorp Genetics (formerly Invitae), Labcorp
Classification: Uncertain significance. Last evaluated: 2022-09-15. Review status: criteria provided, single submitter. Criteria: Invitae Variant Classification Sherloc (09022015). Collection method: clinical testing. Allele origin: germline.
Comment: In summary, the available evidence is currently insufficient to determine the role of this variant in disease. Therefore, it has been classified as a Variant of Uncertain Significance. Algorithms developed to predict the effect of missense changes on protein structure and function output the following: SIFT: "Tolerated"; PolyPhen-2: "Benign"; Align-GVGD: "Class C0". The asparagine amino acid residue is found in multiple mammalian species, which suggests that this missense change does not adversely affect protein function. This variant has not been reported in the literature in individuals affected with TCF20-related conditions. This variant is not present in population databases (gnomAD no frequency). This sequence change replaces serine, which is neutral and polar, with asparagine, which is neutral and polar, at codon 1277 of the TCF20 protein (p.Ser1277Asn).

NM_001378418.1(TCF20):c.3830G>A (p.Ser1277Asn)

Gene: TCF20 (transcription factor 20; minus strand). Cytogenetic location: 22q13.2.
Variant type: single nucleotide variant.
Coding change: c.3830G>A on transcript NM_001378418.1 (MANE Select); coding-DNA position 3830, G replaced by A.
Protein change: p.Ser1277Asn; replaces serine 1277 with asparagine.
Molecular consequence: missense variant.
Genome position (GRCh38, 1-based): chr22:42,211,476, C>T on the plus strand (G>A on the coding strand, the complement: TCF20 is on the minus strand). VCF-style: chr22-42211476-C-T. GRCh37 (hg19) VCF-style: chr22-42607482-C-T.
Other names: c.3830G>A, p.Ser1277Asn (NM_005650.4, NM_181492.3); short protein forms S1277N.
Identifiers: ClinVar variation 2132214 (VCV002132214.4), dbSNP rs1920962239, ClinGen allele CA411785623.